The following is an entry in ClinVar:

NM_000719.7(CACNA1C):c.1724T>C (p.Met575Thr)

Gene: CACNA1C (calcium voltage-gated channel subunit alpha1 C; plus strand). Cytogenetic location: 12p13.33.
Variant type: single nucleotide variant.
Coding change: c.1724T>C on transcript NM_000719.7 (MANE Select); coding-DNA position 1724, T replaced by C.
Protein change: p.Met575Thr; replaces methionine 575 with threonine.
Molecular consequence: missense variant.
Genome position (GRCh38, 1-based): chr12:2,567,623, T>C. VCF-style: chr12-2567623-T-C. GRCh37 (hg19) VCF-style: chr12-2676789-T-C.
Other names: c.1724T>C, p.Met575Thr (NM_001129827.2, NM_001129829.2, NM_001129830.3 and 18 more transcripts); c.1715T>C, p.Met572Thr (NM_001129844.2); short protein forms M572T, M575T.
Identifiers: ClinVar variation 2890424 (VCV002890424.3), dbSNP rs1454465195, ClinGen allele CA383368868.

ClinVar aggregate classification (germline): Uncertain significance (1 of 4 stars; one submission).

Conditions:
Long QT syndrome (LQTS). Identifiers: MedGen C0023976, MeSH D008133, MONDO:0002442. Disease mechanism: loss of function. Inheritance: Various modes of inheritance.

Allele frequency attached by ClinVar (database versions not stated): TOPMed below 0.00001; gnomAD 0.00001; gnomAD exomes 0.00001.
gnomAD v4.1: 9 of 1,610,616 alleles (0.00056%); highest among the groups gnomAD compares: South Asian, 0.0011%; no homozygotes.

Submission:

Labcorp Genetics (formerly Invitae), Labcorp
Classification: Uncertain significance for Long QT syndrome. Last evaluated: 2023-08-22. Review status: criteria provided, single submitter. Criteria: Invitae Variant Classification Sherloc (09022015). Collection method: clinical testing. Allele origin: germline.
Comment: This variant has not been reported in the literature in individuals affected with CACNA1C-related conditions. This variant is not present in population databases (gnomAD no frequency). This sequence change replaces methionine, which is neutral and non-polar, with threonine, which is neutral and polar, at codon 575 of the CACNA1C protein (p.Met575Thr). In summary, the available evidence is currently insufficient to determine the role of this variant in disease. Therefore, it has been classified as a Variant of Uncertain Significance. Advanced modeling of protein sequence and biophysical properties (such as structural, functional, and spatial information, amino acid conservation, physicochemical variation, residue mobility, and thermodynamic stability) performed at Invitae indicates that this missense variant is expected to disrupt CACNA1C protein function.